The following is an entry in ClinVar:

ClinVar aggregate classification (germline): Uncertain significance (1 of 4 stars; one submission).

Allele frequency attached by ClinVar (database versions not stated): gnomAD 0.00001; gnomAD exomes 0.00001 and 0.00002; TOPMed 0.00001; ExAC 0.00002.
gnomAD v4.1: 11 of 1,613,660 alleles (0.00068%); highest among the groups gnomAD compares: Admixed American, 0.013%; no homozygotes.

Submission:

Labcorp Genetics (formerly Invitae), Labcorp
Classification: Uncertain significance. Last evaluated: 2022-10-13. Review status: criteria provided, single submitter. Criteria: Invitae Variant Classification Sherloc (09022015). Collection method: clinical testing. Allele origin: germline.
Comment: This sequence change replaces serine, which is neutral and polar, with leucine, which is neutral and non-polar, at codon 3118 of the LRP2 protein (p.Ser3118Leu). This variant is present in population databases (rs760765421, gnomAD 0.009%). This variant has not been reported in the literature in individuals affected with LRP2-related conditions. ClinVar contains an entry for this variant (Variation ID: 1040548). Advanced modeling of protein sequence and biophysical properties (such as structural, functional, and spatial information, amino acid conservation, physicochemical variation, residue mobility, and thermodynamic stability) performed at Invitae indicates that this missense variant is not expected to disrupt LRP2 protein function. In summary, the available evidence is currently insufficient to determine the role of this variant in disease. Therefore, it has been classified as a Variant of Uncertain Significance.

NM_004525.3(LRP2):c.9353C>T (p.Ser3118Leu)

Gene: LRP2 (LDL receptor related protein 2; minus strand). Cytogenetic location: 2q31.1.
Variant type: single nucleotide variant.
Coding change: c.9353C>T on transcript NM_004525.3 (MANE Select); coding-DNA position 9353, C replaced by T.
Protein change: p.Ser3118Leu; replaces serine 3118 with leucine.
Molecular consequence: missense variant.
Genome position (GRCh38, 1-based): chr2:169,185,995, G>A on the plus strand (C>T on the coding strand, the complement: LRP2 is on the minus strand). VCF-style: chr2-169185995-G-A. GRCh37 (hg19) VCF-style: chr2-170042505-G-A.
Other names: short protein forms S3118L.
Identifiers: ClinVar variation 1040548 (VCV001040548.6), dbSNP rs760765421, ClinGen allele CA1953589.